The following is an entry in ClinVar:

NM_000427.3(LORICRIN):c.82G>A (p.Gly28Ser)

Gene: LORICRIN (loricrin cornified envelope precursor protein; plus strand). Cytogenetic location: 1q21.3.
Variant type: single nucleotide variant.
Coding change: c.82G>A on transcript NM_000427.3 (MANE Select); coding-DNA position 82, G replaced by A.
Protein change: p.Gly28Ser; replaces glycine 28 with serine.
Molecular consequence: missense variant.
Genome position (GRCh38, 1-based): chr1:153,261,031, G>A. VCF-style: chr1-153261031-G-A. GRCh37 (hg19) VCF-style: chr1-153233507-G-A.
Other names: short protein forms G28S.
Identifiers: ClinVar variation 2844998 (VCV002844998.3), dbSNP rs2526491386, ClinGen allele CA342505038.
Genomic context (GRCh38, chr1:153,261,031, plus strand): 5'-CCCACCCCTCAGCCCCCAGTGGACTGCGTGAAGACCTCTGGCGGCGGTGGCGGTGGCGGC[G>A]GCAGCGGCGGTGGTGGCTGCGGCTTCTTCGGCGGCGGCGGCTCAGGGGGCGGTAGCAGCG-3'
Protein context (NP_000418.2, residues 18-38): KTSGGGGGGG[Gly28Ser]SGGGGCGFFG

ClinVar aggregate classification (germline): Uncertain significance (1 of 4 stars; one submission).

Allele frequency attached by ClinVar (database versions not stated): gnomAD exomes below 0.00001.

Submission:

Labcorp Genetics (formerly Invitae), Labcorp
Classification: Uncertain significance. Last evaluated: 2023-03-11. Review status: criteria provided, single submitter. Criteria: Invitae Variant Classification Sherloc (09022015). Collection method: clinical testing. Allele origin: germline.
Comment: In summary, the available evidence is currently insufficient to determine the role of this variant in disease. Therefore, it has been classified as a Variant of Uncertain Significance. This sequence change replaces glycine, which is neutral and non-polar, with serine, which is neutral and polar, at codon 28 of the LOR protein (p.Gly28Ser). This variant is not present in population databases (gnomAD no frequency). This variant has not been reported in the literature in individuals affected with LOR-related conditions. Experimental studies and prediction algorithms are not available or were not evaluated, and the functional significance of this variant is currently unknown.